The following is an entry in ClinVar:

ClinVar aggregate classification (germline): Uncertain significance (1 of 4 stars; one submission).

Submission:

Labcorp Genetics (formerly Invitae), Labcorp
Classification: Uncertain significance. Last evaluated: 2025-11-24. Review status: criteria provided, single submitter. Criteria: Invitae Variant Classification Sherloc (09022015). Collection method: clinical testing. Allele origin: germline.
Comment: This sequence change replaces leucine, which is neutral and non-polar, with phenylalanine, which is neutral and non-polar, at codon 45 of the TBCK protein (p.Leu45Phe). This variant is not present in population databases (gnomAD no frequency). This variant has not been reported in the literature in individuals affected with TBCK-related conditions. ClinVar contains an entry for this variant (Variation ID: 2134297). Invitae Evidence Modeling of protein sequence and biophysical properties (such as structural, functional, and spatial information, amino acid conservation, physicochemical variation, residue mobility, and thermodynamic stability) indicates that this missense variant is expected to disrupt TBCK protein function with a positive predictive value of 80%. In summary, the available evidence is currently insufficient to determine the role of this variant in disease. Therefore, it has been classified as a Variant of Uncertain Significance.

NM_001163435.3(TBCK):c.133C>T (p.Leu45Phe)

Gene: TBCK (TBC1 domain containing kinase; minus strand). Cytogenetic location: 4q24.
Variant type: single nucleotide variant.
Coding change: c.133C>T on transcript NM_001163435.3 (MANE Select); coding-DNA position 133, C replaced by T.
Protein change: p.Leu45Phe; replaces leucine 45 with phenylalanine.
Molecular consequence: missense variant. On other transcripts: 5 prime UTR variant (1).
Genome position (GRCh38, 1-based): chr4:106,308,828, G>A on the plus strand (C>T on the coding strand, the complement: TBCK is on the minus strand). VCF-style: chr4-106308828-G-A. GRCh37 (hg19) VCF-style: chr4-107229985-G-A.
Other names: c.133C>T, p.Leu45Phe (NM_001163436.4, NM_001163437.3, NM_033115.5); c.-485C>T (NM_001290768.2); short protein forms L45F.
Identifiers: ClinVar variation 2134297 (VCV002134297.4), dbSNP rs2479213992, ClinGen allele CA357974011.
Genomic context (GRCh38, chr4:106,308,828, plus strand): 5'-CATGCTTTCCCCTAGAAATATCCACATACTGGCAGAGTCTGGGATGGGTGATGGTTTTAA[G>A]GATTTGAAAGCGCCCTAAAATTTTGATGGAATTTGGTGTGAGAGGAAGTCCATTGCTTCC-3'
Protein context (NP_001156907.2, residues 35-55): SIKILGRFQI[Leu45Phe]KTITHPRLCQ